The following is an entry in ClinVar:

NM_020987.5(ANK3):c.4608G>A (p.Pro1536=)

Gene: ANK3 (ankyrin 3; minus strand). Cytogenetic location: 10q21.2.
Variant type: single nucleotide variant.
Coding change: c.4608G>A on transcript NM_020987.5 (MANE Select); coding-DNA position 4608, G replaced by A.
Protein change: p.Pro1536=; no amino-acid change (proline 1536 retained).
Molecular consequence: synonymous variant. On other transcripts: intron variant (4).
Genome position (GRCh38, 1-based): chr10:60,076,273, C>T on the plus strand (G>A on the coding strand, the complement: ANK3 is on the minus strand). VCF-style: chr10-60076273-C-T. GRCh37 (hg19) VCF-style: chr10-61836031-C-T.
Other names: c.4387+4264G>A (NM_001204403.2); c.4408+4264G>A (NM_001204404.2); c.4405+4264G>A (NM_001320874.2); c.1807+4264G>A (NM_001149.4).
Identifiers: ClinVar variation 2640495 (VCV002640495.24), dbSNP rs374011694, ClinGen allele CA5512142.

ClinVar aggregate classification (germline): Likely benign (1 of 4 stars; one submission).

Allele frequency attached by ClinVar (database versions not stated): TOPMed 0.00002; gnomAD 0.00003; gnomAD exomes 0.00004; ExAC 0.00008; ESP Exome Variant Server 0.00015; 1000 Genomes Project 30x 0.00016; 1000 Genomes Project 0.00020.
gnomAD v4.1: 69 of 1,614,050 alleles (0.0043%); highest among the groups gnomAD compares: South Asian, 0.024%; no homozygotes.

Submission:

CeGaT Center for Human Genetics Tuebingen
Classification: Likely benign. Last evaluated: 2022-12-01. Review status: criteria provided, single submitter. Criteria: CeGaT Center For Human Genetics Tuebingen Variant Classification Criteria Version 2. Collection method: clinical testing. Allele origin: germline. Affected: yes. Observed: 1 variant allele.
Comment: ANK3: BP4, BP7